The following is an entry in ClinVar:

NM_022725.4(FANCF):c.632_634dup (p.Gln211dup)

Gene: FANCF (FA complementation group F; minus strand). Cytogenetic location: 11p14.3.
Variant type: Duplication.
Coding change: c.632_634dup on transcript NM_022725.4 (MANE Select); coding-DNA positions 632 to 634, 3 bases duplicated (AGC; older notation c.632_634dupAGC).
Protein change: p.Gln211dup; duplicates glutamine 211.
Molecular consequence: inframe insertion.
Genome position (GRCh38, 1-based): chr11:22,625,177-22,625,179, GCT duplicated on the plus strand (AGC on the coding strand, the reverse complement: FANCF is on the minus strand); duplicating any 3 consecutive bases within chr11:22,625,177-22,625,181 gives the same sequence; the c. name uses the placement nearest the transcript's 3' end. VCF-style (leftmost placement, unchanged base first): chr11-22625176-G-GGCT. GRCh37 (hg19) VCF-style: chr11-22646722-G-GGCT.
Identifiers: ClinVar variation 1338570 (VCV001338570.4), dbSNP rs748880303, ClinGen allele CA5924295.

ClinVar aggregate classification (germline): Uncertain significance (1 of 4 stars; one submission).

Submission:

Genetic Services Laboratory, University of Chicago
Classification: Uncertain significance. Last evaluated: 2020-03-13. Review status: criteria provided, single submitter. Criteria: ACMG Guidelines, 2015. Collection method: clinical testing. Allele origin: germline. Affected: no.
Comment: DNA sequence analysis of the FANCF gene demonstrated a 3 base pair duplication in exon 1, c.632_634dup. This in-frame deletion is predicted to result in the duplication of 1 amino acid residue, p.Gln211dup. This sequence change has been described in the gnomAD database in 2 individuals (dbSNP rs748880303). The p.Gln211dup change is located in a domain of the FANCF protein that is not known to be functional. This sequence change has not been previously reported in patients with FANCF-related disorders; however, frameshift deletions in FANCF have been reported in patients with Fanconi anemia (PMIDs: 27714961, 31288759). The functional significance of this sequence change is not known at present and its contribution to a disease phenotype cannot definitively be determined.